The following is an entry in ClinVar:

NM_000135.4(FANCA):c.3395C>T (p.Ala1132Val)

Genes: FANCA (FA complementation group A; minus strand), LOC132090450 (Neanderthal introgressed variant-containing enhancer experimental_46718; plus strand). Cytogenetic location: 16q24.3.
Variant type: single nucleotide variant.
Coding change: c.3395C>T on transcript NM_000135.4 (MANE Select); coding-DNA position 3395, C replaced by T.
Protein change: p.Ala1132Val; replaces alanine 1132 with valine.
Molecular consequence: missense variant.
Genome position (GRCh38, 1-based): chr16:89,746,844, G>A on the plus strand (C>T on the coding strand, the complement: FANCA is on the minus strand). VCF-style: chr16-89746844-G-A. GRCh37 (hg19) VCF-style: chr16-89813252-G-A.
Other names: c.3395C>T, p.Ala1132Val (NM_001286167.3); short protein forms A1132V.
Identifiers: ClinVar variation 2809272 (VCV002809272.3), dbSNP rs2544120706, ClinGen allele CA397486068.

ClinVar aggregate classification (germline): Uncertain significance (1 of 4 stars; one submission).

Conditions:
Fanconi anemia (FA). Also called: Fanconi's anemia. Identifiers: Orphanet 84, MedGen C0015625, MeSH D005199, MONDO:0019391.

Allele frequency attached by ClinVar (database versions not stated): gnomAD exomes below 0.00001.
gnomAD v4.1: 1 of 1,564,138 alleles (0.000064%); highest among the groups gnomAD compares: Non-Finnish European, 0.000087%; no homozygotes.

Submission:

Labcorp Genetics (formerly Invitae), Labcorp
Classification: Uncertain significance for Fanconi anemia. Last evaluated: 2023-04-16. Review status: criteria provided, single submitter. Criteria: Invitae Variant Classification Sherloc (09022015). Collection method: clinical testing. Allele origin: germline.
Comment: This variant has not been reported in the literature in individuals affected with FANCA-related conditions. In summary, the available evidence is currently insufficient to determine the role of this variant in disease. Therefore, it has been classified as a Variant of Uncertain Significance. Advanced modeling of protein sequence and biophysical properties (such as structural, functional, and spatial information, amino acid conservation, physicochemical variation, residue mobility, and thermodynamic stability) performed at Invitae indicates that this missense variant is not expected to disrupt FANCA protein function. This variant is not present in population databases (gnomAD no frequency). This sequence change replaces alanine, which is neutral and non-polar, with valine, which is neutral and non-polar, at codon 1132 of the FANCA protein (p.Ala1132Val).